The following is an entry in ClinVar:

NM_000038.6(APC):c.5489A>G (p.Asn1830Ser)

Gene: APC (APC regulator of Wnt signaling pathway; plus strand). Cytogenetic location: 5q22.2.
Variant type: single nucleotide variant.
Coding change: c.5489A>G on transcript NM_000038.6 (MANE Select); coding-DNA position 5489, A replaced by G.
Protein change: p.Asn1830Ser; replaces asparagine 1830 with serine.
Molecular consequence: missense variant. On other transcripts: non-coding transcript variant (2).
Genome position (GRCh38, 1-based): chr5:112,841,083, A>G. VCF-style: chr5-112841083-A-G. GRCh37 (hg19) VCF-style: chr5-112176780-A-G.
Other names: c.5489A>G, p.Asn1830Ser (NM_001127510.3, NM_001354895.2, NM_001407450.1); c.5435A>G, p.Asn1812Ser (NM_001127511.3); c.5543A>G, p.Asn1848Ser (NM_001354896.2, NM_001407447.1, NM_001407448.1 and 1 more transcripts); c.5519A>G, p.Asn1840Ser (NM_001354897.2); c.5414A>G, p.Asn1805Ser (NM_001354898.2); c.5405A>G, p.Asn1802Ser (NM_001354899.2); c.5366A>G, p.Asn1789Ser (NM_001354900.2); c.5312A>G, p.Asn1771Ser (NM_001354901.2, NM_001407453.1); and 11 more; short protein forms N1446S, N1704S, N1739S, N1848S, N1701S, N1747S, N1771S, N1802S.
Identifiers: ClinVar variation 3881490 (VCV003881490.1).
Genomic context (GRCh38, chr5:112,841,083, plus strand): 5'-ATTCAAAGAAACAGAATTTGAAAAATAATTCCAAGGTCTTCAATGATAAGCTCCCAAATA[A>G]TGAAGATAGAGTCAGAGGAAGTTTTGCTTTTGATTCACCTCATCATTACACGCCTATTGA-3'
Protein context (NP_000029.2, residues 1820-1840): SKVFNDKLPN[Asn1830Ser]EDRVRGSFAF

ClinVar aggregate classification (germline): Uncertain significance (1 of 4 stars; one submission).

Conditions:
Hereditary cancer-predisposing syndrome. Also called: Tumor predisposition; Neoplastic Syndromes, Hereditary; Hereditary Cancer Syndrome; Hereditary neoplastic syndrome. Identifiers: Orphanet 140162, MedGen C0027672, MeSH D009386, MONDO:0015356.

Submission:

Ambry Genetics
Classification: Uncertain significance for Hereditary cancer-predisposing syndrome. Last evaluated: 2025-01-02. Review status: criteria provided, single submitter. Criteria: Ambry Variant Classification Scheme 2023. Collection method: clinical testing. Allele origin: germline.
Comment: The p.N1830S variant (also known as c.5489A>G), located in coding exon 15 of the APC gene, results from an A to G substitution at nucleotide position 5489. The asparagine at codon 1830 is replaced by serine, an amino acid with highly similar properties. This amino acid position is conserved. In addition, in silico predictors for this gene do not accurately predict pathogenicity. Based on the available evidence, the clinical significance of this variant remains unclear.